The following is an entry in ClinVar:

NM_152906.7(TANGO2):c.250C>T (p.Gln84Ter)

Gene: TANGO2 (transport and golgi organization 2 homolog; plus strand). Cytogenetic location: 22q11.21.
Variant type: single nucleotide variant.
Coding change: c.250C>T on transcript NM_152906.7 (MANE Select); coding-DNA position 250, C replaced by T.
Protein change: p.Gln84Ter; replaces glutamine 84 with a stop codon.
Molecular consequence: nonsense. On other transcripts: missense variant (12), non-coding transcript variant (5).
Genome position (GRCh38, 1-based): chr22:20,052,569, C>T. VCF-style: chr22-20052569-C-T. GRCh37 (hg19) VCF-style: chr22-20040092-C-T.
Other names: c.250C>T, p.Gln84Ter (NM_001283106.3, NM_001283116.3, NM_001283148.3 and 10 more transcripts); c.373C>T, p.Gln125Ter (NM_001283129.3, NM_001283215.3, NM_001322141.2 and 5 more transcripts); c.71C>T, p.Ala24Val (NM_001283235.3, NM_001322146.2, NM_001322148.2 and 9 more transcripts); short protein forms A24V, Q125*, Q84*.
Identifiers: ClinVar variation 3337652 (VCV003337652.2).
Genomic context (GRCh38, chr22:20,052,569, plus strand): 5'-ATCAGCACACGTGGCAAGCTGGCAGCACTCACCAACTACCTGCAGCCGCAGCTGGACTGG[C>T]AGGCCCGAGGGCGAGGTAAGGCGAGTGGGGTGGGGCCAAGGTGAGACAGGGTGGGGTGGG-3'

ClinVar aggregate classification (germline): Pathogenic. Review status: criteria provided, multiple submitters, no conflicts (2 of 4 stars). 2 submissions from 2 submitters: Pathogenic (2). Last evaluated 2025-06-04.

Submissions (2):

Labcorp Genetics (formerly Invitae), Labcorp
Classification: Pathogenic. Last evaluated: 2025-06-04. Review status: criteria provided, single submitter. Criteria: Invitae Variant Classification Sherloc (09022015). Collection method: clinical testing. Allele origin: germline.
Comment: This sequence change creates a premature translational stop signal (p.Gln84*) in the TANGO2 gene. It is expected to result in an absent or disrupted protein product. Loss-of-function variants in TANGO2 are known to be pathogenic (PMID: 26805781, 26805782). This variant is not present in population databases (gnomAD no frequency). This variant has not been reported in the literature in individuals affected with TANGO2-related conditions. ClinVar contains an entry for this variant (Variation ID: 3337652). Algorithms developed to predict the effect of sequence changes on RNA splicing suggest that this variant may create or strengthen a splice site. For these reasons, this variant has been classified as Pathogenic.

Clinical Genetics Laboratory, Skane University Hospital Lund
Classification: Pathogenic. Last evaluated: 2022-05-27. Review status: criteria provided, single submitter. Criteria: ACMG Guidelines, 2015. Collection method: clinical testing. Allele origin: germline. Affected: yes.

Literature cited by the submitters: PubMed 26805781 (cited by Labcorp Genetics (formerly Invitae), Labcorp); PubMed 26805782 (cited by Labcorp Genetics (formerly Invitae), Labcorp).